The following is an entry in ClinVar:

ClinVar aggregate classification (germline): Uncertain significance (1 of 4 stars; one submission).

gnomAD v4.1: 3 of 1,596,558 alleles (0.00019%); highest among the groups gnomAD compares: East Asian, 0.0023%; no homozygotes.

Submission:

Labcorp Genetics (formerly Invitae), Labcorp
Classification: Uncertain significance. Last evaluated: 2024-09-10. Review status: criteria provided, single submitter. Criteria: Invitae Variant Classification Sherloc (09022015). Collection method: clinical testing. Allele origin: germline.
Comment: This sequence change replaces isoleucine, which is neutral and non-polar, with valine, which is neutral and non-polar, at codon 656 of the PACS2 protein (p.Ile656Val). This variant is present in population databases (no rsID available, gnomAD 0.06%). This variant has not been reported in the literature in individuals affected with PACS2-related conditions. Invitae Evidence Modeling of protein sequence and biophysical properties (such as structural, functional, and spatial information, amino acid conservation, physicochemical variation, residue mobility, and thermodynamic stability) indicates that this missense variant is not expected to disrupt PACS2 protein function with a negative predictive value of 80%. In summary, the available evidence is currently insufficient to determine the role of this variant in disease. Therefore, it has been classified as a Variant of Uncertain Significance.

NM_001100913.3(PACS2):c.1966A>G (p.Ile656Val)

Gene: PACS2 (phosphofurin acidic cluster sorting protein 2; plus strand). Cytogenetic location: 14q32.33.
Variant type: single nucleotide variant.
Coding change: c.1966A>G on transcript NM_001100913.3 (MANE Select); coding-DNA position 1966, A replaced by G.
Protein change: p.Ile656Val; replaces isoleucine 656 with valine.
Molecular consequence: missense variant.
Genome position (GRCh38, 1-based): chr14:105,384,953, A>G. VCF-style: chr14-105384953-A-G. GRCh37 (hg19) VCF-style: chr14-105851290-A-G.
Other names: c.1729A>G, p.Ile577Val (NM_001243127.3); c.1954A>G, p.Ile652Val (NM_015197.4); short protein forms I652V, I656V, I577V.
Identifiers: ClinVar variation 3680793 (VCV003680793.2).
Genomic context (GRCh38, chr14:105,384,953, plus strand): 5'-GACATTGTGTCACGCATCACGCAGTACATCGCAGGGGCCAACTGTGCCCACCAGCTCCCC[A>G]TCGCAGAGGCCATGCTGACCTACAAGCAGAAGAGGTAACGCGGTGGGCCCAGGCACCATA-3'
Protein context (NP_001094383.2, residues 646-666): AGANCAHQLP[Ile656Val]AEAMLTYKQK